The following is an entry in ClinVar:

NM_000051.4(ATM):c.662+8_662+12del

Gene: ATM (ATM serine/threonine kinase; plus strand). Cytogenetic location: 11q22.3.
Variant type: Microsatellite.
Coding change: c.662+8_662+12del on transcript NM_000051.4 (MANE Select); bases 8 to 12 of the intron after coding-DNA position 662, 5 bases deleted (AATCT; older notation c.662+8_662+12delAATCT).
Molecular consequence: splice donor variant.
Genome position (GRCh38, 1-based): chr11:108,244,126-108,244,130, AATCT deleted; deleting any 5 consecutive bases within chr11:108,244,120-108,244,130 gives the same sequence; the c. name uses the placement nearest the transcript's 3' end. VCF-style (leftmost placement, unchanged base first): chr11-108244119-GTAATC-G. GRCh37 (hg19) VCF-style: chr11-108114846-GTAATC-G.
Other names: c.662+8_662+12del (NM_001351834.2); c.662+8_662+12delAATCT (NM_000051.4, NM_000051.3).
Identifiers: ClinVar variation 220323 (VCV000220323.16), dbSNP rs864622475, ClinGen allele CA350643.

ClinVar aggregate classification (germline): Likely benign. Review status: criteria provided, multiple submitters, no conflicts (2 of 4 stars). 5 submissions from 5 submitters: Likely benign (5). Last evaluated 2026-01-07.

Conditions:
Hereditary cancer-predisposing syndrome. Also called: Tumor predisposition; Hereditary neoplastic syndrome; Neoplastic Syndromes, Hereditary; Hereditary Cancer Syndrome. Identifiers: Orphanet 140162, MedGen C0027672, MeSH D009386, MONDO:0015356.
Familial cancer of breast. Also called: hereditary breast carcinoma; Hereditary breast cancer; BREAST CANCER, FAMILIAL. Identifiers: Orphanet 227535, MedGen C0346153, MONDO:0016419, OMIM 114480. Disease mechanism: loss of function.
Ataxia-telangiectasia syndrome (AT). Also called: Ataxia-telangiectasia, complementation group E; AT, COMPLEMENTATION GROUP C; ATAXIA-TELANGIECTASIA, COMPLEMENTATION GROUP A; ATAXIA-TELANGIECTASIA, FRESNO VARIANT; Ataxia-telangiectasia; LOUIS-BAR SYNDROME. Identifiers: Orphanet 100, MedGen C0004135, MONDO:0008840, OMIM 208900.

Submissions (5):

Labcorp Genetics (formerly Invitae), Labcorp
Classification: Likely benign for Ataxia-telangiectasia syndrome. Last evaluated: 2026-01-07. Review status: criteria provided, single submitter. Criteria: Invitae Variant Classification Sherloc (09022015). Collection method: clinical testing. Allele origin: germline.

Center for Genomic Medicine, Rigshospitalet, Copenhagen University Hospital
Classification: Likely benign. Last evaluated: 2025-03-04. Review status: criteria provided, single submitter. Criteria: ACMG Guidelines, 2015. Collection method: clinical testing. Allele origin: germline.

Myriad Genetics, Inc.
Classification: Likely benign for Familial cancer of breast. Last evaluated: 2024-04-22. Review status: criteria provided, single submitter. Criteria: Myriad Autosomal Dominant, Autosomal Recessive and X-Linked Classification Criteria (2023). Collection method: clinical testing. Allele origin: unknown.
Comment: This variant is considered likely benign. This variant is intronic and is not expected to impact mRNA splicing.

Color Diagnostics, LLC DBA Color Health
Classification: Likely benign for Hereditary cancer-predisposing syndrome. Last evaluated: 2016-10-17. Review status: criteria provided, single submitter. Criteria: ACMG Guidelines, 2015. Collection method: clinical testing. Allele origin: germline.

GeneDx
Classification: Likely benign. Last evaluated: 2016-09-19. Review status: criteria provided, single submitter. Criteria: GeneDx Variant Classification (06012015). Collection method: clinical testing. Allele origin: germline. Affected: yes.
Comment: This variant is considered likely benign or benign based on one or more of the following criteria: it is a conservative change, it occurs at a poorly conserved position in the protein, it is predicted to be benign by multiple in silico algorithms, and/or has population frequency not consistent with disease.